The following is an entry in ClinVar:

ClinVar aggregate classification (germline): Uncertain significance (0 of 4 stars; one submission).

Conditions:
ARHGEF28-related disorder. Also called: ARHGEF28-related condition.

gnomAD v4.1: 4 of 1,613,854 alleles (0.00025%); highest among the groups gnomAD compares: Non-Finnish European, 0.000085%; no homozygotes.

Submission:

PreventionGenetics, part of Exact Sciences
Classification: Uncertain significance for ARHGEF28-related condition. Last evaluated: 2024-07-24. Review status: no assertion criteria provided. Collection method: clinical testing. Allele origin: germline.
Comment: The ARHGEF28 c.3244A>C variant is predicted to result in the amino acid substitution p.Ser1082Arg. To our knowledge, this variant has not been reported in the literature or in a large population database, indicating this variant is rare. At this time, the clinical significance of this variant is uncertain due to the absence of conclusive functional and genetic evidence.

NM_001177693.2(ARHGEF28):c.3244A>C (p.Ser1082Arg)

Gene: ARHGEF28 (Rho guanine nucleotide exchange factor 28; plus strand). Cytogenetic location: 5q13.2.
Variant type: single nucleotide variant.
Coding change: c.3244A>C on transcript NM_001177693.2 (MANE Select); coding-DNA position 3244, A replaced by C.
Protein change: p.Ser1082Arg; replaces serine 1082 with arginine.
Molecular consequence: missense variant.
Genome position (GRCh38, 1-based): chr5:73,886,038, A>C. VCF-style: chr5-73886038-A-C. GRCh37 (hg19) VCF-style: chr5-73181863-A-C.
Other names: c.3244A>C, p.Ser1082Arg (NM_001080479.3, NM_001388078.1); c.2305A>C, p.Ser769Arg (NM_001244364.2); c.2950A>C, p.Ser984Arg (NM_001388076.1); short protein forms S1082R, S769R, S984R.
Identifiers: ClinVar variation 3352644 (VCV003352644.1).
Genomic context (GRCh38, chr5:73,886,038, plus strand): 5'-GAAAACAAAACATACACGAAGCTCAAAAATGGACATGTGTTTAGGAAGCAGGCACTGATG[A>C]GTGAAGAAAGGACTCTGTTATATGATGGCCTTGTTTACTGGAAAACTGCTACAGGTCGTT-3'
Protein context (NP_001171164.1, residues 1072-1092): GHVFRKQALM[Ser1082Arg]EERTLLYDGL